The following is an entry in ClinVar:

ClinVar aggregate classification (germline): Uncertain significance (1 of 4 stars; one submission).

gnomAD v4.1: 5 of 1,613,728 alleles (0.00031%); highest among the groups gnomAD compares: African/African-American, 0.0053%; no homozygotes.

Submission:

Labcorp Genetics (formerly Invitae), Labcorp
Classification: Uncertain significance. Last evaluated: 2025-07-16. Review status: criteria provided, single submitter. Criteria: Invitae Variant Classification Sherloc (09022015). Collection method: clinical testing. Allele origin: germline.
Comment: This sequence change falls in intron 20 of the DSCAML1 gene. It does not directly change the encoded amino acid sequence of the DSCAML1 protein. It affects a nucleotide within the consensus splice site. This variant is present in population databases (rs369604538, gnomAD 0.008%). This variant has not been reported in the literature in individuals affected with DSCAML1-related conditions. ClinVar contains an entry for this variant (Variation ID: 3612992). Variants that disrupt the consensus splice site are a relatively common cause of aberrant splicing (PMID: 17576681, 9536098). Algorithms developed to predict the effect of sequence changes on RNA splicing suggest that this variant is not likely to affect RNA splicing. In summary, the available evidence is currently insufficient to determine the role of this variant in disease. Therefore, it has been classified as a Variant of Uncertain Significance.

Literature cited by the submitters: PubMed 17576681; PubMed 9536098.

NM_020693.4(DSCAML1):c.3708+3A>G

Gene: DSCAML1 (DS cell adhesion molecule like 1; minus strand). Cytogenetic location: 11q23.3.
Variant type: single nucleotide variant.
Coding change: c.3708+3A>G on transcript NM_020693.4 (MANE Select); 3 bases into the intron after coding-DNA position 3708, A replaced by G.
Molecular consequence: intron variant.
Genome position (GRCh38, 1-based): chr11:117,450,546, T>C on the plus strand (A>G on the coding strand, the complement: DSCAML1 is on the minus strand). VCF-style: chr11-117450546-T-C. GRCh37 (hg19) VCF-style: chr11-117321262-T-C.
Identifiers: ClinVar variation 3612992 (VCV003612992.2).
Genomic context (GRCh38, chr11:117,450,546, plus strand): 5'-GATGTACAAGGTCCCTTTTCTTTTCTTCCATCCCCTTCATCATCTGGCCCTGAACTCACT[T>C]ACCGGCTGGCCAGACCCGGGGCTGGAACAGAAGATGGTGTACTTGCGGATCACCCCGTTG-3'